The following is an entry in ClinVar:

NM_000138.5(FBN1):c.5801G>C (p.Cys1934Ser)

Gene: FBN1 (fibrillin 1; minus strand). Cytogenetic location: 15q21.1.
Variant type: single nucleotide variant.
Coding change: c.5801G>C on transcript NM_000138.5 (MANE Select); coding-DNA position 5801, G replaced by C.
Protein change: p.Cys1934Ser; replaces cysteine 1934 with serine.
Molecular consequence: missense variant.
Genome position (GRCh38, 1-based): chr15:48,445,492, C>G on the plus strand (G>C on the coding strand, the complement: FBN1 is on the minus strand). VCF-style: chr15-48445492-C-G. GRCh37 (hg19) VCF-style: chr15-48737689-C-G.
Other names: short protein forms C1934S.
Identifiers: ClinVar variation 565697 (VCV000565697.8), dbSNP rs794728240, ClinGen allele CA392340225.
Genomic context (GRCh38, chr15:48,445,492, plus strand): 5'-AAAGACCCCACTGTATTAATGCATTGGCCATTTCTGCAAAGATTCCCATTTCCACTTGCA[C>G]ATTCATCAACATCTGCAGAAAAATCCCCAACAATCCTTTAATATATTCCAAAGATGTCAT-3'
Protein context (NP_000129.3, residues 1924-1944): HNNDCIDVDE[Cys1934Ser]ASGNGNLCRN

ClinVar aggregate classification (germline): Pathogenic (1 of 4 stars; one submission).

Conditions:
Familial thoracic aortic aneurysm and aortic dissection (TAAD). Also called: Thoracic aortic aneurysms and dissections. Identifiers: Orphanet 91387, MedGen C4707243, MONDO:0019625.
Marfan syndrome (MFS). Also called: FBN1-Related Marfan Syndrome; Marfan syndrome type 1; Marfan's syndrome; Marfan syndrome, classic; MARFAN SYNDROME, TYPE I. Identifiers: Orphanet 284963, Orphanet 558, MedGen C0024796, MONDO:0007947, OMIM 154700.

Submission:

Labcorp Genetics (formerly Invitae), Labcorp
Classification: Pathogenic for Marfan syndrome; Familial thoracic aortic aneurysm and aortic dissection. Last evaluated: 2018-06-12. Review status: criteria provided, single submitter. Criteria: Invitae Variant Classification Sherloc (09022015). Collection method: clinical testing. Allele origin: germline.
Comment: This sequence change replaces cysteine with serine at codon 1934 of the FBN1 protein (p.Cys1934Ser). The cysteine residue is highly conserved and there is a moderate physicochemical difference between cysteine and serine. This variant is not present in population databases (ExAC no frequency). For these reasons, this variant has been classified as Pathogenic. This variant affects a cysteine residue located within an epidermal-growth-factor (EGF)–like domain of the FBN1 protein. Cysteine residues in these domains have been shown to be involved in the formation of disulfide bridges, which are critical for FBN1 protein structure and stability (PMID: 10486319, 3495735, 4750422, 16677079). In addition, missense substitutions within the FBN1 EGF-like domains affecting cysteine residues are significantly overrepresented among patients with Marfan syndrome (PMID: 16571647, 17701892). Variants that disrupt the p.Cys1934 amino acid residue in FBN1 have been observed in affected individuals (PMID: 18435798, 21542060, 25907466). This suggest that it is a clinically significant residue, and that other variants that disrupt this residue are likely to be causative of disease.

Literature cited by the submitters: PubMed 10486319; PubMed 3495735; PubMed 4750422; PubMed 16677079; PubMed 16571647; PubMed 17701892; PubMed 18435798; PubMed 21542060; PubMed 25907466.